The following is an entry in ClinVar:

ClinVar aggregate classification (germline): Likely benign (0 of 4 stars; one submission).

Conditions:
ATP2A3-related disorder. Also called: ATP2A3-related condition.

Allele frequency attached by ClinVar (database versions not stated): 1000 Genomes Project 30x 0.00078; 1000 Genomes Project 0.00080; ESP Exome Variant Server 0.00415.
gnomAD v4.1: 6,692 of 1,613,738 alleles (0.41%); highest among the groups gnomAD compares: Non-Finnish European, 0.5%; 30 homozygotes.

Submission:

PreventionGenetics, part of Exact Sciences
Classification: Likely benign for ATP2A3-related condition. Last evaluated: 2022-05-10. Review status: no assertion criteria provided. Collection method: clinical testing. Allele origin: germline.
Comment: This variant is classified as likely benign based on ACMG/AMP sequence variant interpretation guidelines (Richards et al. 2015 PMID: 25741868, with internal and published modifications).

NM_005173.4(ATP2A3):c.2674G>A (p.Glu892Lys)

Gene: ATP2A3 (ATPase sarcoplasmic/endoplasmic reticulum Ca2+ transporting 3; minus strand). Cytogenetic location: 17p13.2.
Variant type: single nucleotide variant.
Coding change: c.2674G>A on transcript NM_005173.4 (MANE Select); coding-DNA position 2674, G replaced by A.
Protein change: p.Glu892Lys; replaces glutamic acid 892 with lysine.
Molecular consequence: missense variant.
Genome position (GRCh38, 1-based): chr17:3,930,371, C>T on the plus strand (G>A on the coding strand, the complement: ATP2A3 is on the minus strand). VCF-style: chr17-3930371-C-T. GRCh37 (hg19) VCF-style: chr17-3833665-C-T.
Other names: c.2674G>A, p.Glu892Lys (NM_174953.3, NM_174954.3, NM_174955.3 and 3 more transcripts); short protein forms E892K.
Identifiers: ClinVar variation 3041510 (VCV003041510.2), dbSNP rs141235119, ClinGen allele CA8296777.